The following is an entry in ClinVar:

NM_201384.3(PLEC):c.1205A>G (p.Gln402Arg)

Gene: PLEC (plectin; minus strand). Cytogenetic location: 8q24.3.
Variant type: single nucleotide variant.
Coding change: c.1205A>G on transcript NM_201384.3 (MANE Select); coding-DNA position 1205, A replaced by G.
Protein change: p.Gln402Arg; replaces glutamine 402 with arginine.
Molecular consequence: missense variant.
Genome position (GRCh38, 1-based): chr8:143,934,056, T>C on the plus strand (A>G on the coding strand, the complement: PLEC is on the minus strand). VCF-style: chr8-143934056-T-C. GRCh37 (hg19) VCF-style: chr8-145008224-T-C.
Other names: c.1286A>G, p.Gln429Arg (NM_000445.5, NM_001410941.1); c.1163A>G, p.Gln388Arg (NM_201378.4); c.1139A>G, p.Gln380Arg (NM_201379.3); c.1616A>G, p.Gln539Arg (NM_201380.4); c.1109A>G, p.Gln370Arg (NM_201381.3); c.1205A>G, p.Gln402Arg (NM_201382.4); c.1217A>G, p.Gln406Arg (NM_201383.3); short protein forms Q370R, Q380R, Q388R, Q402R, Q406R, Q429R, Q539R.
Identifiers: ClinVar variation 3753552 (VCV003753552.2).

ClinVar aggregate classification (germline): Uncertain significance (1 of 4 stars; one submission).

Conditions:
Epidermolysis bullosa simplex with nail dystrophy (EBS5D). Identifiers: MedGen C4225309, MONDO:0014661, OMIM 616487.
Epidermolysis bullosa simplex, Ogna type (EBS5A). Also called: Pidermolysis bullosa simplex 5A, Ogna type; EPIDERMOLYSIS BULLOSA SIMPLEX 5A, OGNA TYPE. Identifiers: Orphanet 79401, MedGen C0432317, MONDO:0007555, OMIM 131950.
Autosomal recessive limb-girdle muscular dystrophy type 2Q (LGMDR17). Also called: MUSCULAR DYSTROPHY, LIMB-GIRDLE, AUTOSOMAL RECESSIVE 17. Identifiers: Orphanet 254361, MedGen C3150989, MONDO:0013390, OMIM 613723.
Epidermolysis bullosa simplex 5B, with muscular dystrophy (EBS5B). Also called: EPIDERMOLYSIS BULLOSA SIMPLEX AND LIMB-GIRDLE MUSCULAR DYSTROPHY; Epidermolysis bullosa simplex with muscular dystrophy. Identifiers: Orphanet 257, MedGen C2931072, MONDO:0009181, OMIM 226670.
Epidermolysis bullosa simplex 5C, with pyloric atresia (EBS5C). Also called: PLEC-Related Epidermolysis Bullosa with Pyloric Atresia; Epidermolysis bullosa simplex with pyloric atresia; PLEC1-Related Epidermolysis Bullosa with Pyloric Atresia. Identifiers: Orphanet 158684, MedGen C2677349, MONDO:0012807, OMIM 612138.

gnomAD v4.1: 2 of 1,611,826 alleles (0.00012%); highest among the groups gnomAD compares: Admixed American, 0.0033%; no homozygotes.

Submission:

Labcorp Genetics (formerly Invitae), Labcorp
Classification: Uncertain significance for Autosomal recessive limb-girdle muscular dystrophy type 2Q; Epidermolysis bullosa simplex, Ogna type; Epidermolysis bullosa simplex with nail dystrophy; Epidermolysis bullosa simplex 5C, with pyloric atresia; Epidermolysis bullosa simplex 5B, with muscular dystrophy. Last evaluated: 2024-02-04. Review status: criteria provided, single submitter. Criteria: Invitae Variant Classification Sherloc (09022015). Collection method: clinical testing. Allele origin: germline.
Comment: This sequence change replaces glutamine, which is neutral and polar, with arginine, which is basic and polar, at codon 429 of the PLEC protein (p.Gln429Arg). This variant is present in population databases (rs782134003, gnomAD 0.006%). This variant has not been reported in the literature in individuals affected with PLEC-related conditions. Experimental studies and prediction algorithms are not available or were not evaluated, and the functional significance of this variant is currently unknown. In summary, the available evidence is currently insufficient to determine the role of this variant in disease. Therefore, it has been classified as a Variant of Uncertain Significance.